The following is an entry in ClinVar:

ClinVar aggregate classification (germline): Uncertain significance (1 of 4 stars; one submission).

Allele frequency attached by ClinVar (database versions not stated): gnomAD 0.00002; TOPMed 0.00006; gnomAD exomes 0.00013; ExAC 0.00042.
gnomAD v4.1: 185 of 1,542,836 alleles (0.012%); highest among the groups gnomAD compares: Non-Finnish European, 0.015%; no homozygotes.

Submission:

Ambry Genetics
Classification: Uncertain significance. Last evaluated: 2024-10-15. Review status: criteria provided, single submitter. Criteria: Ambry Variant Classification Scheme 2023. Collection method: clinical testing. Allele origin: germline.
Comment: The p.A138T variant (also known as c.412G>A), located in coding exon 1 of the WNK2 gene, results from a G to A substitution at nucleotide position 412. The alanine at codon 138 is replaced by threonine, an amino acid with similar properties. This amino acid position is conserved. In addition, this alteration is predicted to be tolerated by in silico analysis. Based on the available evidence, the clinical significance of this variant remains unclear.

NM_006648.4(WNK2):c.412G>A (p.Ala138Thr)

Gene: WNK2 (WNK lysine deficient protein kinase 2; plus strand). Cytogenetic location: 9q22.31.
Variant type: single nucleotide variant.
Coding change: c.412G>A on transcript NM_006648.4 (MANE Select); coding-DNA position 412, G replaced by A.
Protein change: p.Ala138Thr; replaces alanine 138 with threonine.
Molecular consequence: missense variant.
Genome position (GRCh38, 1-based): chr9:93,185,341, G>A. VCF-style: chr9-93185341-G-A. GRCh37 (hg19) VCF-style: chr9-95947623-G-A.
Other names: c.412G>A, p.Ala138Thr (NM_001282394.3); short protein forms A138T.
Identifiers: ClinVar variation 2243795 (VCV002243795.3), dbSNP rs776345682, ClinGen allele CA5129058.